The following is an entry in ClinVar:

NM_000070.3(CAPN3):c.778T>C (p.Ser260Pro)

Gene: CAPN3 (calpain 3; plus strand). Cytogenetic location: 15q15.1.
Variant type: single nucleotide variant.
Coding change: c.778T>C on transcript NM_000070.3 (MANE Select); coding-DNA position 778, T replaced by C.
Protein change: p.Ser260Pro; replaces serine 260 with proline.
Molecular consequence: missense variant.
Genome position (GRCh38, 1-based): chr15:42,389,073, T>C. VCF-style: chr15-42389073-T-C. GRCh37 (hg19) VCF-style: chr15-42681271-T-C.
Other names: c.778T>C, p.Ser260Pro (NM_024344.2, NM_173087.2); short protein forms S260P.
Identifiers: ClinVar variation 4746571 (VCV004746571.1).

ClinVar aggregate classification (germline): Uncertain significance (1 of 4 stars; one submission).

Conditions:
Autosomal recessive limb-girdle muscular dystrophy type 2A (LGMDR1). Also called: Muscular dystrophy, limb-girdle, type 2A, Amish; LEYDEN-MOEBIUS MUSCULAR DYSTROPHY; MUSCULAR DYSTROPHY, PELVOFEMORAL; Limb-girdle muscular dystrophy, type 2A; Calpainopathy. Identifiers: Orphanet 267, MedGen C1869123, MONDO:0009675, OMIM 253600. Disease mechanism: loss of function.

Submission:

Labcorp Genetics (formerly Invitae), Labcorp
Classification: Uncertain significance for Autosomal recessive limb-girdle muscular dystrophy type 2A. Last evaluated: 2025-03-19. Review status: criteria provided, single submitter. Criteria: Invitae Variant Classification Sherloc (09022015). Collection method: clinical testing. Allele origin: germline.
Comment: This sequence change replaces serine, which is neutral and polar, with proline, which is neutral and non-polar, at codon 260 of the CAPN3 protein (p.Ser260Pro). This variant is not present in population databases (gnomAD no frequency). This variant has not been reported in the literature in individuals affected with CAPN3-related conditions. Invitae Evidence Modeling of protein sequence and biophysical properties (such as structural, functional, and spatial information, amino acid conservation, physicochemical variation, residue mobility, and thermodynamic stability) indicates that this missense variant is expected to disrupt CAPN3 protein function with a positive predictive value of 80%. In summary, the available evidence is currently insufficient to determine the role of this variant in disease. Therefore, it has been classified as a Variant of Uncertain Significance.